The following is an entry in ClinVar:

ClinVar aggregate classification (germline): Uncertain significance (1 of 4 stars; one submission).

Allele frequency attached by ClinVar (database versions not stated): gnomAD exomes below 0.00001.
gnomAD v4.1: 1 of 1,613,380 alleles (0.000062%); highest among the groups gnomAD compares: Non-Finnish European, 0.000085%; no homozygotes.

Submission:

Labcorp Genetics (formerly Invitae), Labcorp
Classification: Uncertain significance. Last evaluated: 2022-05-02. Review status: criteria provided, single submitter. Criteria: Invitae Variant Classification Sherloc (09022015). Collection method: clinical testing. Allele origin: germline.
Comment: This sequence change creates a premature translational stop signal (p.Cys278*) in the TNNI3K gene. It is expected to result in an absent or disrupted protein product. However, the current clinical and genetic evidence is not sufficient to establish whether loss-of-function variants in TNNI3K cause disease. In summary, the available evidence is currently insufficient to determine the role of this variant in disease. Therefore, it has been classified as a Variant of Uncertain Significance. This variant has not been reported in the literature in individuals affected with TNNI3K-related conditions. This variant is not present in population databases (gnomAD no frequency).

NM_015978.3(TNNI3K):c.834C>A (p.Cys278Ter)

Genes: FPGT-TNNI3K (FPGT-TNNI3K readthrough; plus strand), TNNI3K (TNNI3 interacting kinase; plus strand). Cytogenetic location: 1p31.1.
Variant type: single nucleotide variant.
Coding change: c.834C>A on transcript NM_015978.3 (MANE Select); coding-DNA position 834, C replaced by A.
Protein change: p.Cys278Ter; replaces cysteine 278 with a stop codon.
Molecular consequence: nonsense.
Genome position (GRCh38, 1-based): chr1:74,343,081, C>A. VCF-style: chr1-74343081-C-A. GRCh37 (hg19) VCF-style: chr1-74808765-C-A.
Other names: c.1137C>A, p.Cys379Ter (NM_001112808.3, NM_001199327.2); short protein forms C278*, C379*.
Identifiers: ClinVar variation 1372275 (VCV001372275.6), dbSNP rs1557508657, ClinGen allele CA340782059.
Genomic context (GRCh38, chr1:74,343,081, plus strand): 5'-GTATACTGCATGTACTTGCTTACAATATTAACAAGATATTTTCTTCAAATCTAGGGCATG[C>A]TACAATGGCAAATTTGAAGTTGCCAAGGAAATCATCCAAATATCAGGAACAGAAAGTCTG-3'